The following is an entry in ClinVar:

ClinVar aggregate classification (germline): Uncertain significance. Review status: criteria provided, multiple submitters, no conflicts (2 of 4 stars). 3 submissions from 3 submitters: Uncertain significance (3). Last evaluated 2025-08-24.

Conditions:
Inborn genetic diseases. Identifiers: MedGen C0950123, MeSH D030342.
Charcot-Marie-Tooth disease. Also called: Charcot-Marie-Tooth Hereditary Neuropathy; Charcot-Marie-Tooth Neuropathy. Identifiers: Orphanet 166, MedGen C0007959, MONDO:0015626.
Charcot-Marie-Tooth disease type 4. Also called: Charcot-Marie-Tooth, Type 4; Charcot-Marie-Tooth disease, type IV. Identifiers: Orphanet 64749, MedGen C4082197, MONDO:0018995.

gnomAD v4.1: 2 of 1,613,344 alleles (0.00012%); highest among the groups gnomAD compares: Non-Finnish European, 0.00017%; no homozygotes.

Submissions (3):

Ambry Genetics
Classification: Uncertain significance for Inborn genetic diseases. Last evaluated: 2025-08-24. Review status: criteria provided, single submitter. Criteria: Ambry Variant Classification Scheme 2023. Collection method: clinical testing. Allele origin: germline.

Labcorp Genetics (formerly Invitae), Labcorp
Classification: Uncertain significance for Charcot-Marie-Tooth disease type 4. Last evaluated: 2025-01-20. Review status: criteria provided, single submitter. Criteria: Invitae Variant Classification Sherloc (09022015). Collection method: clinical testing. Allele origin: germline.
Comment: This sequence change replaces phenylalanine, which is neutral and non-polar, with leucine, which is neutral and non-polar, at codon 598 of the FIG4 protein (p.Phe598Leu). This variant is not present in population databases (gnomAD no frequency). This variant has not been reported in the literature in individuals affected with FIG4-related conditions. ClinVar contains an entry for this variant (Variation ID: 916871). An algorithm developed to predict the effect of missense changes on protein structure and function (PolyPhen-2) suggests that this variant is likely to be tolerated. In summary, the available evidence is currently insufficient to determine the role of this variant in disease. Therefore, it has been classified as a Variant of Uncertain Significance.

Molecular Genetics Laboratory, London Health Sciences Centre
Classification: Uncertain significance for Charcot-Marie-Tooth disease. Review status: criteria provided, single submitter. Criteria: ACMG Guidelines, 2015. Collection method: clinical testing. Allele origin: germline. Affected: yes.

NM_014845.6(FIG4):c.1794C>A (p.Phe598Leu)

Gene: FIG4 (FIG4 phosphoinositide 5-phosphatase; plus strand). Cytogenetic location: 6q21.
Variant type: single nucleotide variant.
Coding change: c.1794C>A on transcript NM_014845.6 (MANE Select); coding-DNA position 1794, C replaced by A.
Protein change: p.Phe598Leu; replaces phenylalanine 598 with leucine.
Molecular consequence: missense variant.
Genome position (GRCh38, 1-based): chr6:109,776,965, C>A. VCF-style: chr6-109776965-C-A. GRCh37 (hg19) VCF-style: chr6-110098168-C-A.
Other names: short protein forms F598L.
Identifiers: ClinVar variation 916871 (VCV000916871.4), dbSNP rs1777638116, ClinGen allele CA365230024.